The following is an entry in ClinVar:

ClinVar aggregate classification (germline): Uncertain significance (1 of 4 stars; one submission).

Submission:

Labcorp Genetics (formerly Invitae), Labcorp
Classification: Uncertain significance. Last evaluated: 2025-05-19. Review status: criteria provided, single submitter. Criteria: Invitae Variant Classification Sherloc (09022015). Collection method: clinical testing. Allele origin: germline.
Comment: This sequence change replaces cysteine, which is neutral and slightly polar, with tyrosine, which is neutral and polar, at codon 411 of the CLCN7 protein (p.Cys411Tyr). This variant is not present in population databases (gnomAD no frequency). This variant has not been reported in the literature in individuals affected with CLCN7-related conditions. ClinVar contains an entry for this variant (Variation ID: 2047573). Invitae Evidence Modeling of protein sequence and biophysical properties (such as structural, functional, and spatial information, amino acid conservation, physicochemical variation, residue mobility, and thermodynamic stability) indicates that this missense variant is not expected to disrupt CLCN7 protein function with a negative predictive value of 95%. In summary, the available evidence is currently insufficient to determine the role of this variant in disease. Therefore, it has been classified as a Variant of Uncertain Significance.

NM_001287.6(CLCN7):c.1232G>A (p.Cys411Tyr)

Gene: CLCN7 (Cl-/H+ antiporter 7; minus strand). Cytogenetic location: 16p13.3.
Variant type: single nucleotide variant.
Coding change: c.1232G>A on transcript NM_001287.6 (MANE Select); coding-DNA position 1232, G replaced by A.
Protein change: p.Cys411Tyr; replaces cysteine 411 with tyrosine.
Molecular consequence: missense variant.
Genome position (GRCh38, 1-based): chr16:1,452,876, C>T on the plus strand (G>A on the coding strand, the complement: CLCN7 is on the minus strand). VCF-style: chr16-1452876-C-T. GRCh37 (hg19) VCF-style: chr16-1502877-C-T.
Other names: c.1160G>A, p.Cys387Tyr (NM_001114331.3); short protein forms C411Y, C387Y.
Identifiers: ClinVar variation 2047573 (VCV002047573.4), dbSNP rs2038775808, ClinGen allele CA394189278.